The following is an entry in ClinVar:

ClinVar aggregate classification (germline): Uncertain significance (1 of 4 stars; one submission).

Conditions:
Hereditary cancer-predisposing syndrome. Also called: Neoplastic Syndromes, Hereditary; Tumor predisposition; Hereditary Cancer Syndrome; Hereditary neoplastic syndrome. Identifiers: Orphanet 140162, MedGen C0027672, MeSH D009386, MONDO:0015356.

Submission:

Ambry Genetics
Classification: Uncertain significance for Hereditary cancer-predisposing syndrome. Last evaluated: 2022-05-26. Review status: criteria provided, single submitter. Criteria: Ambry Variant Classification Scheme 2023. Collection method: clinical testing. Allele origin: germline.
Comment: The p.Q714H variant (also known as c.2142G>C), located in coding exon 14 of the PTCH1 gene, results from a G to C substitution at nucleotide position 2142. The glutamine at codon 714 is replaced by histidine, an amino acid with highly similar properties. This amino acid position is conserved. In addition, the in silico prediction for this alteration is inconclusive. Since supporting evidence is limited at this time, the clinical significance of this alteration remains unclear.

NM_000264.5(PTCH1):c.2142G>C (p.Gln714His)

Genes: PTCH1 (patched 1; minus strand), LOC100507346 (uncharacterized LOC100507346; plus strand). Cytogenetic location: 9q22.32.
Variant type: single nucleotide variant.
Coding change: c.2142G>C on transcript NM_000264.5 (MANE Select); coding-DNA position 2142, G replaced by C.
Protein change: p.Gln714His; replaces glutamine 714 with histidine.
Molecular consequence: missense variant. On other transcripts: non-coding transcript variant (2).
Genome position (GRCh38, 1-based): chr9:95,468,859, C>G on the plus strand (G>C on the coding strand, the complement: PTCH1 is on the minus strand). VCF-style: chr9-95468859-C-G. GRCh37 (hg19) VCF-style: chr9-98231141-C-G.
Other names: c.1944G>C, p.Gln648His (NM_001083602.3); c.2139G>C, p.Gln713His (NM_001083603.3); c.1689G>C, p.Gln563His (NM_001083604.3, NM_001083605.3, NM_001083606.3 and 1 more transcripts); c.1986G>C, p.Gln662His (NM_001354918.2); short protein forms Q714H, Q563H, Q662H, Q648H, Q713H.
Identifiers: ClinVar variation 1786606 (VCV001786606.2), dbSNP rs2118034064, ClinGen allele CA374115569.
Genomic context (GRCh38, chr9:95,468,859, plus strand): 5'-AGATGAGAGTGTCCACTTCGTACAGGGGGGCTCGAGGCAGTGGAGGCTGGAGTCGGAGAA[C>G]TGGGAGAGCAGGTCCCTTGTGGAGCTGGTGCTCTCTGGGCTCTGGCAGCTGAGGGTGTCC-3'
Protein context (NP_000255.2, residues 704-724): STSSTRDLLS[Gln714His]FSDSSLHCLE